The following is an entry in ClinVar:

ClinVar aggregate classification (germline): Conflicting classifications of pathogenicity. Review status: criteria provided, conflicting classifications (1 of 4 stars). 9 submissions from 9 submitters: Uncertain significance (6); Likely benign (2). 1 of the submissions does not count toward it. Last evaluated 2026-01-25.

Conditions:
Intrauterine growth retardation, metaphyseal dysplasia, adrenal hypoplasia congenita, genital anomalies, and immunodeficiency. Also called: IMAGEI SYNDROME. Identifiers: MedGen C5193036, MONDO:0032684, OMIM 618336.
Colorectal cancer, susceptibility to, 12 (CRCS12). Also called: COLORECTAL CANCER, SUSCEPTIBILITY TO, ON CHROMOSOME 12q24. Identifiers: Orphanet 220460, MedGen C3554460, MONDO:0014038, OMIM 615083.
Facial dysmorphism-immunodeficiency-livedo-short stature syndrome. Also called: FILS syndrome; Facial dysmorphism, immunodeficiency, livedo, and short stature. Identifiers: Orphanet 352712, MedGen C3554576, MONDO:0014058, OMIM 615139.
Hereditary cancer-predisposing syndrome. Also called: Neoplastic Syndromes, Hereditary; Hereditary Cancer Syndrome; Tumor predisposition; Hereditary neoplastic syndrome. Identifiers: Orphanet 140162, MedGen C0027672, MeSH D009386, MONDO:0015356.

Allele frequency attached by ClinVar (database versions not stated): gnomAD 0.00002 and 0.00003; gnomAD exomes 0.00002 and 0.00003; TOPMed 0.00002; ExAC 0.00003.
gnomAD v4.1: 43 of 1,612,948 alleles (0.0027%); highest among the groups gnomAD compares: Middle Eastern, 0.016%; no homozygotes.

Submissions (9):

Labcorp Genetics (formerly Invitae), Labcorp
Classification: Uncertain significance. Last evaluated: 2026-01-25. Review status: criteria provided, single submitter. Criteria: Invitae Variant Classification Sherloc (09022015). Collection method: clinical testing. Allele origin: germline.
Comment: This sequence change replaces serine, which is neutral and polar, with leucine, which is neutral and non-polar, at codon 1297 of the POLE protein (p.Ser1297Leu). This variant is present in population databases (rs746585658, gnomAD 0.005%). This missense change has been observed in individual(s) with breast cancer (PMID: 28202063). ClinVar contains an entry for this variant (Variation ID: 240486). An algorithm developed to predict the effect of missense changes on protein structure and function outputs the following: PolyPhen-2: "Not Available". The leucine amino acid residue is found in multiple mammalian species, which suggests that this missense change does not adversely affect protein function. In summary, the available evidence is currently insufficient to determine the role of this variant in disease. Therefore, it has been classified as a Variant of Uncertain Significance.

Ambry Genetics
Classification: Likely benign for Hereditary cancer-predisposing syndrome. Last evaluated: 2024-10-17. Review status: criteria provided, single submitter. Criteria: Ambry Variant Classification Scheme 2023. Collection method: clinical testing. Allele origin: germline.

Blueprint Genetics
Classification: Likely benign. Last evaluated: 2024-08-27. Review status: criteria provided, single submitter. Criteria: ACMG Guidelines, 2015. Collection method: clinical testing. Allele origin: germline.

GeneDx
Classification: Uncertain significance. Last evaluated: 2024-08-14. Review status: criteria provided, single submitter. Criteria: GeneDx Variant Classification Process June 2021. Collection method: clinical testing. Allele origin: germline. Affected: yes.
Comment: In silico analysis indicates that this missense variant does not alter protein structure/function; Observed in individual(s) with breast cancer (PMID: 28202063); This variant is associated with the following publications: (PMID: 29056344, 28202063)

Fulgent Genetics
Classification: Uncertain significance for Colorectal cancer, susceptibility to, 12; Facial dysmorphism-immunodeficiency-livedo-short stature syndrome; Intrauterine growth retardation, metaphyseal dysplasia, adrenal hypoplasia congenita, genital anomalies, and immunodeficiency. Last evaluated: 2024-04-05. Review status: criteria provided, single submitter. Criteria: ACMG Guidelines, 2015. Collection method: clinical testing. Allele origin: germline.

Institute for Clinical Genetics, University Hospital TU Dresden, University Hospital TU Dresden
Classification: Uncertain significance. Last evaluated: 2021-11-03. Review status: criteria provided, single submitter. Criteria: ACMG Guidelines, 2015. Collection method: clinical testing. Allele origin: germline.

Sema4
Classification: Uncertain significance for Hereditary cancer-predisposing syndrome. Last evaluated: 2021-07-05. Review status: criteria provided, single submitter. Criteria: Sema4 Curation Guidelines. Collection method: curation. Allele origin: germline.
Comment: The POLE c.3890C>T (p.S1297L) variant has been reported in heterozygosity in at least one individual with breast cancer (PMID: 28202063). This variant was observed in 5/110654 chromosomes in the European (non-Finnish) population, with no homozygotes, according to the Genome Aggregation Database (PMID: 27535533). Based on the current evidence available, this variant is interpreted as a variant of uncertain significance.

Quest Diagnostics Nichols Institute San Juan Capistrano
Classification: Uncertain significance. Last evaluated: 2019-02-27. Review status: criteria provided, single submitter. Criteria: Quest Diagnostics criteria. Collection method: clinical testing. Allele origin: germline.

Counsyl
Classification: Uncertain significance for Colorectal cancer, susceptibility to, 12. Last evaluated: 2017-12-05. Review status: no assertion criteria provided. Collection method: clinical testing. Allele origin: unknown. Not counted in ClinVar's aggregate classification.

Literature cited by the submitters: PubMed 28202063 (cited by 4 submitters).

NM_006231.4(POLE):c.3890C>T (p.Ser1297Leu)

Gene: POLE (DNA polymerase epsilon, catalytic subunit; minus strand). Cytogenetic location: 12q24.33.
Variant type: single nucleotide variant.
Coding change: c.3890C>T on transcript NM_006231.4 (MANE Select); coding-DNA position 3890, C replaced by T.
Protein change: p.Ser1297Leu; replaces serine 1297 with leucine.
Molecular consequence: missense variant.
Genome position (GRCh38, 1-based): chr12:132,649,421, G>A on the plus strand (C>T on the coding strand, the complement: POLE is on the minus strand). VCF-style: chr12-132649421-G-A. GRCh37 (hg19) VCF-style: chr12-133226007-G-A.
Other names: short protein forms S1297L.
Identifiers: ClinVar variation 240486 (VCV000240486.25), dbSNP rs746585658, ClinGen allele CA6893060.